The following is an entry in ClinVar:

ClinVar aggregate classification (germline): Uncertain significance (1 of 4 stars; one submission).

Conditions:
Mucopolysaccharidosis type 1. Also called: IDUA deficiency; MPS I; Mucopolysaccharidosis Type I. Identifiers: Orphanet 579, MedGen C0023786, MONDO:0001586.

Submission:

Labcorp Genetics (formerly Invitae), Labcorp
Classification: Uncertain significance for Mucopolysaccharidosis type 1. Last evaluated: 2021-08-03. Review status: criteria provided, single submitter. Criteria: Invitae Variant Classification Sherloc (09022015). Collection method: clinical testing. Allele origin: germline.
Comment: In summary, the available evidence is currently insufficient to determine the role of this variant in disease. Therefore, it has been classified as a Variant of Uncertain Significance. Algorithms developed to predict the effect of missense changes on protein structure and function are either unavailable or do not agree on the potential impact of this missense change (SIFT: "Deleterious"; PolyPhen-2: "Probably Damaging"; Align-GVGD: "Class C0"). This variant has not been reported in the literature in individuals affected with IDUA-related conditions. This variant is not present in population databases (ExAC no frequency). This sequence change replaces phenylalanine with isoleucine at codon 632 of the IDUA protein (p.Phe632Ile). The phenylalanine residue is moderately conserved and there is a small physicochemical difference between phenylalanine and isoleucine.

NM_000203.5(IDUA):c.1894T>A (p.Phe632Ile)

Gene: IDUA (alpha-L-iduronidase; plus strand). Cytogenetic location: 4p16.3.
Variant type: single nucleotide variant.
Coding change: c.1894T>A on transcript NM_000203.5 (MANE Select); coding-DNA position 1894, T replaced by A.
Protein change: p.Phe632Ile; replaces phenylalanine 632 with isoleucine.
Molecular consequence: missense variant. On other transcripts: non-coding transcript variant (1).
Genome position (GRCh38, 1-based): chr4:1,004,325, T>A. VCF-style: chr4-1004325-T-A. GRCh37 (hg19) VCF-style: chr4-998113-T-A.
Other names: c.1498T>A, p.Phe500Ile (NM_001363576.1); short protein forms F500I, F632I.
Identifiers: ClinVar variation 1409117 (VCV001409117.6), dbSNP rs2153023304, ClinGen allele CA355965998.
Genomic context (GRCh38, chr4:1,004,325, plus strand): 5'-GGTGCTGTCTCTGGCTCCTACCGAGTTCGAGCCCTGGACTACTGGGCCCGACCAGGCCCC[T>A]TCTCGGACCCTGTGCCGTACCTGGAGGTCCCTGTGCCAAGAGGGCCCCCATCCCCGGGCA-3'
Protein context (NP_000194.2, residues 622-642): ALDYWARPGP[Phe632Ile]SDPVPYLEVP